The following is an entry in ClinVar:

NM_014444.5(TUBGCP4):c.1303C>G (p.Pro435Ala)

Gene: TUBGCP4 (tubulin gamma complex component 4; plus strand). Cytogenetic location: 15q15.3.
Variant type: single nucleotide variant.
Coding change: c.1303C>G on transcript NM_014444.5 (MANE Select); coding-DNA position 1303, C replaced by G.
Protein change: p.Pro435Ala; replaces proline 435 with alanine.
Molecular consequence: missense variant.
Genome position (GRCh38, 1-based): chr15:43,398,064, C>G. VCF-style: chr15-43398064-C-G. GRCh37 (hg19) VCF-style: chr15-43690262-C-G.
Other names: c.1306C>G, p.Pro436Ala (NM_001286414.3); c.1303C>G (NM_014444.2); short protein forms P435A, P436A.
Identifiers: ClinVar variation 963623 (VCV000963623.11), dbSNP rs561685507, ClinGen allele CA7524065.

ClinVar aggregate classification (germline): Uncertain significance. Review status: criteria provided, multiple submitters, no conflicts (2 of 4 stars). 3 submissions from 3 submitters: Uncertain significance (3). Last evaluated 2025-08-31.

Conditions:
Inborn genetic diseases. Identifiers: MedGen C0950123, MeSH D030342.

Allele frequency attached by ClinVar (database versions not stated): gnomAD exomes 0.00006; ExAC 0.00007; gnomAD 0.00011 and 0.00012; TOPMed 0.00015; 1000 Genomes Project 0.00060; 1000 Genomes Project 30x 0.00078.
gnomAD v4.1: 37 of 1,613,812 alleles (0.0023%); highest among the groups gnomAD compares: African/African-American, 0.033%; no homozygotes.

Submissions (3):

Ambry Genetics
Classification: Uncertain significance for Inborn genetic diseases. Last evaluated: 2025-08-31. Review status: criteria provided, single submitter. Criteria: Ambry Variant Classification Scheme 2023. Collection method: clinical testing. Allele origin: germline.

GeneDx
Classification: Uncertain significance. Last evaluated: 2025-02-06. Review status: criteria provided, single submitter. Criteria: GeneDx Variant Classification Process June 2021. Collection method: clinical testing. Allele origin: germline. Affected: yes.
Comment: In silico analysis indicates that this missense variant does not alter protein structure/function; Has not been previously published as pathogenic or benign to our knowledge

Labcorp Genetics (formerly Invitae), Labcorp
Classification: Uncertain significance. Last evaluated: 2022-10-13. Review status: criteria provided, single submitter. Criteria: Invitae Variant Classification Sherloc (09022015). Collection method: clinical testing. Allele origin: germline.
Comment: This sequence change replaces proline, which is neutral and non-polar, with alanine, which is neutral and non-polar, at codon 436 of the TUBGCP4 protein (p.Pro436Ala). This variant is present in population databases (rs561685507, gnomAD 0.05%). This variant has not been reported in the literature in individuals affected with TUBGCP4-related conditions. ClinVar contains an entry for this variant (Variation ID: 963623). Algorithms developed to predict the effect of missense changes on protein structure and function are either unavailable or do not agree on the potential impact of this missense change (SIFT: "Deleterious"; PolyPhen-2: "Benign"; Align-GVGD: "Class C0"). In summary, the available evidence is currently insufficient to determine the role of this variant in disease. Therefore, it has been classified as a Variant of Uncertain Significance.